The following is an entry in ClinVar:

ClinVar aggregate classification (germline): Uncertain significance (1 of 4 stars; one submission).

Allele frequency attached by ClinVar (database versions not stated): gnomAD exomes below 0.00001; gnomAD 0.00005; TOPMed 0.00005.
gnomAD v4.1: 14 of 1,613,790 alleles (0.00087%); highest among the groups gnomAD compares: African/African-American, 0.016%; no homozygotes.

Submission:

Labcorp Genetics (formerly Invitae), Labcorp
Classification: Uncertain significance. Last evaluated: 2022-08-17. Review status: criteria provided, single submitter. Criteria: Invitae Variant Classification Sherloc (09022015). Collection method: clinical testing. Allele origin: germline.
Comment: This sequence change replaces leucine, which is neutral and non-polar, with valine, which is neutral and non-polar, at codon 429 of the DARS2 protein (p.Leu429Val). This variant is present in population databases (no rsID available, gnomAD 0.02%). This variant has not been reported in the literature in individuals affected with DARS2-related conditions. Advanced modeling of protein sequence and biophysical properties (such as structural, functional, and spatial information, amino acid conservation, physicochemical variation, residue mobility, and thermodynamic stability) performed at Invitae indicates that this missense variant is not expected to disrupt DARS2 protein function. In summary, the available evidence is currently insufficient to determine the role of this variant in disease. Therefore, it has been classified as a Variant of Uncertain Significance.

NM_018122.5(DARS2):c.1285C>G (p.Leu429Val)

Gene: DARS2 (aspartyl-tRNA synthetase 2, mitochondrial; plus strand). Cytogenetic location: 1q25.1.
Variant type: single nucleotide variant.
Coding change: c.1285C>G on transcript NM_018122.5 (MANE Select); coding-DNA position 1285, C replaced by G.
Protein change: p.Leu429Val; replaces leucine 429 with valine.
Molecular consequence: missense variant. On other transcripts: intron variant (1).
Genome position (GRCh38, 1-based): chr1:173,850,420, C>G. VCF-style: chr1-173850420-C-G. GRCh37 (hg19) VCF-style: chr1-173819558-C-G.
Other names: c.1285C>G, p.Leu429Val (NM_001365213.2); c.1192-2929C>G (NM_001365212.1); short protein forms L429V.
Identifiers: ClinVar variation 2421517 (VCV002421517.3), dbSNP rs1490968913, ClinGen allele CA343766134.
Genomic context (GRCh38, chr1:173,850,420, plus strand): 5'-AACTGGAATTCTCCAGTTGCTAATTTCATAATGGAGTCACAAAGACTGGAATTAATCAGA[C>G]TAATGGAGACCCAAGAGGAAGATGTGGTCCTACTAACTGCTGGAGAGCACAATAAAGCAG-3'
Protein context (NP_060592.2, residues 419-439): MESQRLELIR[Leu429Val]METQEEDVVL